The following is an entry in ClinVar:

ClinVar aggregate classification (germline): Uncertain significance. Review status: criteria provided, multiple submitters, no conflicts (2 of 4 stars). 3 submissions from 3 submitters: Uncertain significance (3). Last evaluated 2025-08-18.

Conditions:
Emery-Dreifuss muscular dystrophy 5, autosomal dominant (EDMD5). Also called: EMERY-DREIFUSS MUSCULAR DYSTROPHY 5. Identifiers: Orphanet 261, MedGen C2751805, MONDO:0013072, OMIM 612999.

Allele frequency attached by ClinVar (database versions not stated): ExAC 0.00002; gnomAD exomes 0.00003 and 0.00013; TOPMed 0.00005; gnomAD 0.00007 and 0.00008; ESP Exome Variant Server 0.00008.
gnomAD v4.1: 193 of 1,614,066 alleles (0.012%); highest among the groups gnomAD compares: Non-Finnish European, 0.016%; no homozygotes.

Submissions (3):

Labcorp Genetics (formerly Invitae), Labcorp
Classification: Uncertain significance for Emery-Dreifuss muscular dystrophy 5, autosomal dominant. Last evaluated: 2025-08-18. Review status: criteria provided, single submitter. Criteria: Invitae Variant Classification Sherloc (09022015). Collection method: clinical testing. Allele origin: germline.
Comment: This sequence change replaces valine, which is neutral and non-polar, with alanine, which is neutral and non-polar, at codon 3948 of the SYNE2 protein (p.Val3948Ala). This variant is present in population databases (rs372848864, gnomAD 0.008%). This variant has not been reported in the literature in individuals affected with SYNE2-related conditions. ClinVar contains an entry for this variant (Variation ID: 960003). An algorithm developed to predict the effect of missense changes on protein structure and function (PolyPhen-2) suggests that this variant is likely to be tolerated. In summary, the available evidence is currently insufficient to determine the role of this variant in disease. Therefore, it has been classified as a Variant of Uncertain Significance.

Ambry Genetics
Classification: Uncertain significance. Last evaluated: 2025-04-29. Review status: criteria provided, single submitter. Criteria: Ambry Variant Classification Scheme 2023. Collection method: clinical testing. Allele origin: germline.

Revvity Omics, Revvity
Classification: Uncertain significance for Emery-Dreifuss muscular dystrophy 5, autosomal dominant. Last evaluated: 2019-04-18. Review status: criteria provided, single submitter. Criteria: ACMG Guidelines, 2015. Collection method: clinical testing. Allele origin: germline.

NM_182914.3(SYNE2):c.11843T>C (p.Val3948Ala)

Gene: SYNE2 (spectrin repeat containing nuclear envelope protein 2; plus strand). Cytogenetic location: 14q23.2.
Variant type: single nucleotide variant.
Coding change: c.11843T>C on transcript NM_182914.3 (MANE Select); coding-DNA position 11843, T replaced by C.
Protein change: p.Val3948Ala; replaces valine 3948 with alanine.
Molecular consequence: missense variant.
Genome position (GRCh38, 1-based): chr14:64,090,915, T>C. VCF-style: chr14-64090915-T-C. GRCh37 (hg19) VCF-style: chr14-64557633-T-C.
Other names: c.11843T>C, p.Val3948Ala (NM_015180.6); short protein forms V3948A.
Identifiers: ClinVar variation 960003 (VCV000960003.13), dbSNP rs372848864, ClinGen allele CA7221933.